The following is an entry in ClinVar:

NM_022356.4(P3H1):c.1459C>T (p.Gln487Ter)

Gene: P3H1 (prolyl 3-hydroxylase 1; minus strand). Cytogenetic location: 1p34.2.
Variant type: single nucleotide variant.
Coding change: c.1459C>T on transcript NM_022356.4 (MANE Select); coding-DNA position 1459, C replaced by T.
Protein change: p.Gln487Ter; replaces glutamine 487 with a stop codon.
Molecular consequence: nonsense.
Genome position (GRCh38, 1-based): chr1:42,752,551, G>A on the plus strand (C>T on the coding strand, the complement: P3H1 is on the minus strand). VCF-style: chr1-42752551-G-A. GRCh37 (hg19) VCF-style: chr1-43218222-G-A.
Other names: c.1459C>T, p.Gln487Ter (NM_001146289.2, NM_001243246.2); short protein forms Q487*.
Identifiers: ClinVar variation 664730 (VCV000664730.10), dbSNP rs1229143002, ClinGen allele CA339955969.

ClinVar aggregate classification (germline): Pathogenic (1 of 4 stars; one submission).

Conditions:
Osteogenesis imperfecta type 8 (OI8). Identifiers: MedGen C1970458, MONDO:0012581, OMIM 610915.

Allele frequency attached by ClinVar (database versions not stated): gnomAD exomes below 0.00001 and 0.00001; TOPMed 0.00001; gnomAD 0.00002.
gnomAD v4.1: 9 of 1,614,076 alleles (0.00056%); highest among the groups gnomAD compares: Non-Finnish European, 0.00076%; no homozygotes.

Submission:

Labcorp Genetics (formerly Invitae), Labcorp
Classification: Pathogenic for Osteogenesis imperfecta type 8. Last evaluated: 2025-12-20. Review status: criteria provided, single submitter. Criteria: Invitae Variant Classification Sherloc (09022015). Collection method: clinical testing. Allele origin: germline.
Comment: This sequence change creates a premature translational stop signal (p.Gln487*) in the P3H1 gene. It is expected to result in an absent or disrupted protein product. Loss-of-function variants in P3H1 are known to be pathogenic (PMID: 17277775, 18566967, 19088120, 22281939). This variant is present in population databases (no rsID available, gnomAD 0.0009%). This premature translational stop signal has been observed in individual(s) with osteogenesis imperfecta (PMID: 24498616). ClinVar contains an entry for this variant (Variation ID: 664730). For these reasons, this variant has been classified as Pathogenic.

Literature cited by the submitters: PubMed 17277775; PubMed 18566967; PubMed 19088120; PubMed 22281939; PubMed 24498616.